The following is an entry in ClinVar:

NM_020937.4(FANCM):c.5834T>A (p.Leu1945Gln)

Gene: FANCM (FA complementation group M; plus strand). Cytogenetic location: 14q21.2.
Variant type: single nucleotide variant.
Coding change: c.5834T>A on transcript NM_020937.4 (MANE Select); coding-DNA position 5834, T replaced by A.
Protein change: p.Leu1945Gln; replaces leucine 1945 with glutamine.
Molecular consequence: missense variant.
Genome position (GRCh38, 1-based): chr14:45,198,761, T>A. VCF-style: chr14-45198761-T-A. GRCh37 (hg19) VCF-style: chr14-45667964-T-A.
Other names: c.5756T>A, p.Leu1919Gln (NM_001308133.2); short protein forms L1919Q, L1945Q.
Identifiers: ClinVar variation 3848673 (VCV003848673.2).

ClinVar aggregate classification (germline): Uncertain significance. Review status: criteria provided, multiple submitters, no conflicts (2 of 4 stars). 2 submissions from 2 submitters: Uncertain significance (2). Last evaluated 2025-12-03.

Conditions:
Fanconi anemia (FA). Also called: Fanconi's anemia. Identifiers: Orphanet 84, MedGen C0015625, MeSH D005199, MONDO:0019391.
Inborn genetic diseases. Identifiers: MedGen C0950123, MeSH D030342.

Submissions (2):

Labcorp Genetics (formerly Invitae), Labcorp
Classification: Uncertain significance for Fanconi anemia. Last evaluated: 2025-12-03. Review status: criteria provided, single submitter. Criteria: Invitae Variant Classification Sherloc (09022015). Collection method: clinical testing. Allele origin: germline.
Comment: This sequence change replaces leucine, which is neutral and non-polar, with glutamine, which is neutral and polar, at codon 1945 of the FANCM protein (p.Leu1945Gln). This variant is not present in population databases (gnomAD no frequency). This variant has not been reported in the literature in individuals affected with FANCM-related conditions. ClinVar contains an entry for this variant (Variation ID: 3848673). An algorithm developed to predict the effect of missense changes on protein structure and function (PolyPhen-2) suggests that this variant is likely to be disruptive. In summary, the available evidence is currently insufficient to determine the role of this variant in disease. Therefore, it has been classified as a Variant of Uncertain Significance.

Ambry Genetics
Classification: Uncertain significance for Inborn genetic diseases. Last evaluated: 2025-01-31. Review status: criteria provided, single submitter. Criteria: Ambry Variant Classification Scheme 2023. Collection method: clinical testing. Allele origin: germline.
Comment: The p.L1945Q variant (also known as c.5834T>A), located in coding exon 22 of the FANCM gene, results from a T to A substitution at nucleotide position 5834. The leucine at codon 1945 is replaced by glutamine, an amino acid with dissimilar properties. This amino acid position is conserved. In addition, this alteration is predicted to be deleterious by in silico analysis. Based on the available evidence, the clinical significance of this variant remains unclear.